The following is an entry in ClinVar:

ClinVar aggregate classification (germline): Uncertain significance. Review status: criteria provided, multiple submitters, no conflicts (2 of 4 stars). 2 submissions from 2 submitters: Uncertain significance (2). Last evaluated 2024-04-04.

Conditions:
C3 glomerulonephritis. Also called: C3 GLOMERULOPATHY 3; Nephropathy due to CFHR5 Deficiency. Identifiers: Orphanet 329931, MedGen C4055342, MONDO:0013892, OMIM 614809.

Allele frequency attached by ClinVar (database versions not stated): ExAC 0.00006.
gnomAD v4.1: 9 of 1,612,648 alleles (0.00056%); highest among the groups gnomAD compares: Admixed American, 0.01%; no homozygotes.

Submissions (2):

Fulgent Genetics
Classification: Uncertain significance for C3 glomerulonephritis. Last evaluated: 2024-04-04. Review status: criteria provided, single submitter. Criteria: ACMG Guidelines, 2015. Collection method: clinical testing. Allele origin: germline.

Labcorp Genetics (formerly Invitae), Labcorp
Classification: Uncertain significance. Last evaluated: 2022-10-07. Review status: criteria provided, single submitter. Criteria: Invitae Variant Classification Sherloc (09022015). Collection method: clinical testing. Allele origin: germline.
Comment: This sequence change replaces proline, which is neutral and non-polar, with leucine, which is neutral and non-polar, at codon 260 of the CFHR5 protein (p.Pro260Leu). This variant is present in population databases (rs748797364, gnomAD 0.02%). This variant has not been reported in the literature in individuals affected with CFHR5-related conditions. Advanced modeling of protein sequence and biophysical properties (such as structural, functional, and spatial information, amino acid conservation, physicochemical variation, residue mobility, and thermodynamic stability) has been performed at Invitae for this missense variant, however the output from this modeling did not meet the statistical confidence thresholds required to predict the impact of this variant on CFHR5 protein function. In summary, the available evidence is currently insufficient to determine the role of this variant in disease. Therefore, it has been classified as a Variant of Uncertain Significance.

NM_030787.4(CFHR5):c.779C>T (p.Pro260Leu)

Gene: CFHR5 (complement factor H related 5; plus strand). Cytogenetic location: 1q31.3.
Variant type: single nucleotide variant.
Coding change: c.779C>T on transcript NM_030787.4 (MANE Select); coding-DNA position 779, C replaced by T.
Protein change: p.Pro260Leu; replaces proline 260 with leucine.
Molecular consequence: missense variant.
Genome position (GRCh38, 1-based): chr1:196,995,888, C>T. VCF-style: chr1-196995888-C-T. GRCh37 (hg19) VCF-style: chr1-196965018-C-T.
Other names: short protein forms P260L.
Identifiers: ClinVar variation 1985265 (VCV001985265.5), dbSNP rs748797364, ClinGen allele CA1307859.